The following is an entry in ClinVar:

NM_001029883.3(PCARE):c.3271C>A (p.Pro1091Thr)

Gene: PCARE (photoreceptor cilium actin regulator; minus strand). Cytogenetic location: 2p23.2.
Variant type: single nucleotide variant.
Coding change: c.3271C>A on transcript NM_001029883.3 (MANE Select); coding-DNA position 3271, C replaced by A.
Protein change: p.Pro1091Thr; replaces proline 1091 with threonine.
Molecular consequence: missense variant.
Genome position (GRCh38, 1-based): chr2:29,070,991, G>T on the plus strand (C>A on the coding strand, the complement: PCARE is on the minus strand). VCF-style: chr2-29070991-G-T. GRCh37 (hg19) VCF-style: chr2-29293857-G-T.
Other names: short protein forms P1091T.
Identifiers: ClinVar variation 962067 (VCV000962067.7), dbSNP rs775685036, ClinGen allele CA1591979.

ClinVar aggregate classification (germline): Conflicting classifications of pathogenicity. Review status: criteria provided, conflicting classifications (1 of 4 stars). 2 submissions from 2 submitters: Uncertain significance (1); Likely benign (1). Last evaluated 2024-11-05.

Allele frequency attached by ClinVar (database versions not stated): TOPMed 0.00004; ExAC 0.00008; gnomAD exomes 0.00014.
gnomAD v4.1: 49 of 1,610,696 alleles (0.003%); highest among the groups gnomAD compares: Admixed American, 0.06%; no homozygotes.

Submissions (2):

Labcorp Genetics (formerly Invitae), Labcorp
Classification: Uncertain significance. Last evaluated: 2024-11-05. Review status: criteria provided, single submitter. Criteria: Invitae Variant Classification Sherloc (09022015). Collection method: clinical testing. Allele origin: germline.
Comment: This sequence change replaces proline, which is neutral and non-polar, with threonine, which is neutral and polar, at codon 1091 of the PCARE protein (p.Pro1091Thr). This variant is present in population databases (rs775685036, gnomAD 0.09%). This variant has not been reported in the literature in individuals affected with PCARE-related conditions. ClinVar contains an entry for this variant (Variation ID: 962067). An algorithm developed to predict the effect of missense changes on protein structure and function outputs the following: PolyPhen-2: "Benign". The threonine amino acid residue is found in multiple mammalian species, which suggests that this missense change does not adversely affect protein function. In summary, the available evidence is currently insufficient to determine the role of this variant in disease. Therefore, it has been classified as a Variant of Uncertain Significance.

Blueprint Genetics
Classification: Likely benign. Last evaluated: 2021-09-13. Review status: criteria provided, single submitter. Criteria: ACMG Guidelines, 2015. Collection method: clinical testing. Allele origin: germline.